The following is an entry in ClinVar:

ClinVar aggregate classification (germline): Uncertain significance (1 of 4 stars; one submission).

Conditions:
Severe combined immunodeficiency due to DNA-PKcs deficiency. Also called: IMMUNODEFICIENCY 26 WITH NEUROLOGIC ABNORMALITIES; Immunodeficiency 26 with or without neurologic abnormalities. Identifiers: Orphanet 317425, MedGen C4014833, MONDO:0014423, OMIM 615966.

Allele frequency attached by ClinVar (database versions not stated): TOPMed below 0.00001.
gnomAD v4.1: 1 of 1,511,316 alleles (0.000066%); no homozygotes.

Submission:

Labcorp Genetics (formerly Invitae), Labcorp
Classification: Uncertain significance for Severe combined immunodeficiency due to DNA-PKcs deficiency. Last evaluated: 2025-10-01. Review status: criteria provided, single submitter. Criteria: Invitae Variant Classification Sherloc (09022015). Collection method: clinical testing. Allele origin: germline.
Comment: This sequence change replaces isoleucine, which is neutral and non-polar, with methionine, which is neutral and non-polar, at codon 2151 of the PRKDC protein (p.Ile2151Met). This variant is not present in population databases (gnomAD no frequency). This variant has not been reported in the literature in individuals affected with PRKDC-related conditions. ClinVar contains an entry for this variant (Variation ID: 1981860). Invitae Evidence Modeling of protein sequence and biophysical properties (such as structural, functional, and spatial information, amino acid conservation, physicochemical variation, residue mobility, and thermodynamic stability) has been performed for this missense variant. However, the output from this modeling did not meet the statistical confidence thresholds required to predict the impact of this variant on PRKDC protein function. In summary, the available evidence is currently insufficient to determine the role of this variant in disease. Therefore, it has been classified as a Variant of Uncertain Significance.

NM_006904.7(PRKDC):c.6453T>G (p.Ile2151Met)

Gene: PRKDC (protein kinase, DNA-activated, catalytic subunit; minus strand). Cytogenetic location: 8q11.21.
Variant type: single nucleotide variant.
Coding change: c.6453T>G on transcript NM_006904.7 (MANE Select); coding-DNA position 6453, T replaced by G.
Protein change: p.Ile2151Met; replaces isoleucine 2151 with methionine.
Molecular consequence: missense variant.
Genome position (GRCh38, 1-based): chr8:47,858,528, A>C on the plus strand (T>G on the coding strand, the complement: PRKDC is on the minus strand). VCF-style: chr8-47858528-A-C. GRCh37 (hg19) VCF-style: chr8-48771089-A-C.
Other names: c.6453T>G, p.Ile2151Met (NM_001081640.2); short protein forms I2151M.
Identifiers: ClinVar variation 1981860 (VCV001981860.3), dbSNP rs988196608, ClinGen allele CA176170839.